The following is an entry in ClinVar:

NM_000138.5(FBN1):c.3893del (p.Asn1298fs)

Gene: FBN1 (fibrillin 1; minus strand). Cytogenetic location: 15q21.1.
Variant type: Deletion.
Coding change: c.3893del on transcript NM_000138.5 (MANE Select); coding-DNA position 3893, one base deleted (A; older notation c.3893delA).
Protein change: p.Asn1298fs; shifts the reading frame from asparagine 1298.
Molecular consequence: frameshift variant.
Genome position (GRCh38, 1-based): chr15:48,481,726, T deleted on the plus strand (A on the coding strand, the reverse complement: FBN1 is on the minus strand); the first of 4 consecutive T bases (chr15:48,481,726-48,481,729); deleting any one gives the same sequence. VCF-style (leftmost placement, unchanged base first): chr15-48481725-GT-G. GRCh37 (hg19) VCF-style: chr15-48773922-GT-G.
Other names: c.3893delA (NM_000138.4); short protein forms N1298fs.
Identifiers: ClinVar variation 406363 (VCV000406363.7), dbSNP rs869025425, ClinGen allele CA16614514.
Genomic context (GRCh38, chr15:48,481,725, plus strand): 5'-AGTTTTTCCTTTTTTGCCGGAGTAGCCCATATCACAGTGGCAGATAAATGAGCCTTTCGT[GT>G]TTTCACAGGTCCCACTTAGGCAGATATTTGGATTCAGGTCACACTCATTGACATCTGTAA-3'

ClinVar aggregate classification (germline): Pathogenic. Review status: criteria provided, single submitter (1 of 4 stars). 2 submissions from 1 submitter: Pathogenic (2). Last evaluated 2016-12-24.

Conditions:
Marfan syndrome (MFS). Also called: Marfan syndrome, classic; Marfan syndrome type 1; Marfan's syndrome; MARFAN SYNDROME, TYPE I; FBN1-Related Marfan Syndrome. Identifiers: Orphanet 284963, Orphanet 558, MedGen C0024796, MONDO:0007947, OMIM 154700.
Familial thoracic aortic aneurysm and aortic dissection (TAAD). Also called: Thoracic aortic aneurysms and dissections. Identifiers: Orphanet 91387, MedGen C4707243, MONDO:0019625.

Submissions (2):

Labcorp Genetics (formerly Invitae), Labcorp
Classification: Pathogenic for Marfan syndrome. Last evaluated: 2016-12-24. Review status: criteria provided, single submitter. Criteria: Invitae Variant Classification Sherloc (09022015). Collection method: clinical testing. Allele origin: germline.
Comment: This sequence change deletes 1 nucleotide from exon 32 of the FBN1 mRNA (c.3893delA), causing a frameshift at codon 1298. This creates a premature translational stop signal (p.Asn1298Thrfs*115) and is expected to result in an absent or disrupted protein product. While this particular variant has not been reported in the literature, loss-of-function variants in FBN1 are known to be pathogenic (PMID: 17657824, 19293843). For these reasons, this variant has been classified as Pathogenic.

Labcorp Genetics (formerly Invitae), Labcorp
Classification: Pathogenic for Marfan syndrome; Familial thoracic aortic aneurysm and aortic dissection. Last evaluated: 2016-12-24. Review status: criteria provided, single submitter. Criteria: Invitae Variant Classification Sherloc (09022015). Collection method: clinical testing. Allele origin: germline.
Comment: For these reasons, this variant has been classified as Pathogenic. While this particular variant has not been reported in the literature, loss-of-function variants in FBN1 are known to be pathogenic (PMID: 17657824, 19293843). This sequence change deletes 1 nucleotide from exon 32 of the FBN1 mRNA (c.3893delA), causing a frameshift at codon 1298. This creates a premature translational stop signal (p.Asn1298Thrfs*115) and is expected to result in an absent or disrupted protein product.

Literature cited by the submitters: PubMed 17657824; PubMed 19293843.